The following is an entry in ClinVar:

ClinVar aggregate classification (germline): Uncertain significance (1 of 4 stars; one submission).

Conditions:
Desmin-related myofibrillar myopathy (MFM1). Also called: Desminopathy; Desmin related myopathy (former name); Desmin storage myopathy (former name); Myofibrillar myopathy 1; MYOFIBRILLAR MYOPATHY WITH ARRHYTHMOGENIC RIGHT VENTRICULAR CARDIOMYOPATHY; DESMIN-RELATED MYOPATHY WITH ARRHYTHMOGENIC RIGHT VENTRICULAR CARDIOMYOPATHY. Identifiers: Orphanet 363543, Orphanet 98909, MedGen C1832370, MONDO:0011076, OMIM 601419.

Allele frequency attached by ClinVar (database versions not stated): gnomAD exomes below 0.00001.

Submission:

Labcorp Genetics (formerly Invitae), Labcorp
Classification: Uncertain significance for Desmin-related myofibrillar myopathy. Last evaluated: 2021-02-08. Review status: criteria provided, single submitter. Criteria: Invitae Variant Classification Sherloc (09022015). Collection method: clinical testing. Allele origin: germline.
Comment: Algorithms developed to predict the effect of missense changes on protein structure and function do not agree on the potential impact of this missense change (SIFT: "Deleterious"; PolyPhen-2: "Probably Damaging"; Align-GVGD: "Class C0"). In summary, the available evidence is currently insufficient to determine the role of this variant in disease. Therefore, it has been classified as a Variant of Uncertain Significance. This variant has not been reported in the literature in individuals with DES-related disease. This variant is not present in population databases (ExAC no frequency). This sequence change replaces glycine with aspartic acid at codon 145 of the DES protein (p.Gly145Asp). The glycine residue is highly conserved and there is a moderate physicochemical difference between glycine and aspartic acid.

NM_001927.4(DES):c.434G>A (p.Gly145Asp)

Gene: DES (desmin; plus strand). Cytogenetic location: 2q35.
Variant type: single nucleotide variant.
Coding change: c.434G>A on transcript NM_001927.4 (MANE Select); coding-DNA position 434, G replaced by A.
Protein change: p.Gly145Asp; replaces glycine 145 with aspartic acid.
Molecular consequence: missense variant.
Genome position (GRCh38, 1-based): chr2:219,418,896, G>A. VCF-style: chr2-219418896-G-A. GRCh37 (hg19) VCF-style: chr2-220283618-G-A.
Other names: c.434G>A (LRG_380t1); short protein forms G145D.
Identifiers: ClinVar variation 541299 (VCV000541299.9), dbSNP rs1553603267, ClinGen allele CA350686173.